The following is an entry in ClinVar:

NM_001101426.4(CRPPA):c.992T>C (p.Ile331Thr)

Genes: CRPPA-AS1 (CRPPA antisense RNA 1; plus strand), CRPPA (CDP-L-ribitol pyrophosphorylase A; minus strand). Cytogenetic location: 7p21.2.
Variant type: single nucleotide variant.
Coding change: c.992T>C on transcript NM_001101426.4 (MANE Select); coding-DNA position 992, T replaced by C.
Protein change: p.Ile331Thr; replaces isoleucine 331 with threonine.
Molecular consequence: missense variant. On other transcripts: non-coding transcript variant (1).
Genome position (GRCh38, 1-based): chr7:16,258,954, A>G on the plus strand (T>C on the coding strand, the complement: CRPPA is on the minus strand). VCF-style: chr7-16258954-A-G. GRCh37 (hg19) VCF-style: chr7-16298579-A-G.
Other names: c.842T>C, p.Ile281Thr (NM_001101417.4); c.887T>C, p.Ile296Thr (NM_001368197.1); short protein forms I281T, I296T, I331T.
Identifiers: ClinVar variation 1680761 (VCV001680761.6), dbSNP rs369141466, ClinGen allele CA4169428.

ClinVar aggregate classification (germline): Uncertain significance (1 of 4 stars; one submission).

Conditions:
Muscular dystrophy-dystroglycanopathy (congenital with brain and eye anomalies), type A, 7. Also called: WALKER-WARBURG SYNDROME OR MUSCLE-EYE-BRAIN DISEASE, ISPD-RELATED; Congenital muscular dystrophy-dystroglycanopathy with brain and eye anomalies, type A7. Identifiers: Orphanet 899, MedGen C3553330, MONDO:0013835, OMIM 614643.
Autosomal recessive limb-girdle muscular dystrophy type 2U. Also called: Muscular dystrophy-dystroglycanopathy (limb-girdle), type c, 7; MUSCULAR DYSTROPHY, LIMB-GIRDLE, TYPE 2U. Identifiers: Orphanet 352479, MedGen C5190987, MONDO:0014474, OMIM 616052.

Allele frequency attached by ClinVar (database versions not stated): gnomAD exomes below 0.00001 and 0.00001; ExAC 0.00001; TOPMed 0.00003; ESP Exome Variant Server 0.00008.
gnomAD v4.1: 7 of 1,611,376 alleles (0.00043%); highest among the groups gnomAD compares: Middle Eastern, 0.017%; no homozygotes.

Submission:

Labcorp Genetics (formerly Invitae), Labcorp
Classification: Uncertain significance for Muscular dystrophy-dystroglycanopathy (congenital with brain and eye anomalies), type A, 7; Autosomal recessive limb-girdle muscular dystrophy type 2U. Last evaluated: 2022-07-19. Review status: criteria provided, single submitter. Criteria: Invitae Variant Classification Sherloc (09022015). Collection method: clinical testing. Allele origin: germline.
Comment: Algorithms developed to predict the effect of missense changes on protein structure and function output the following: SIFT: "Deleterious"; PolyPhen-2: "Benign"; Align-GVGD: "Class C0". The threonine amino acid residue is found in multiple mammalian species, which suggests that this missense change does not adversely affect protein function. In summary, the available evidence is currently insufficient to determine the role of this variant in disease. Therefore, it has been classified as a Variant of Uncertain Significance. ClinVar contains an entry for this variant (Variation ID: 1680761). This variant has not been reported in the literature in individuals affected with ISPD-related conditions. This variant is present in population databases (rs369141466, gnomAD 0.007%). This sequence change replaces isoleucine, which is neutral and non-polar, with threonine, which is neutral and polar, at codon 331 of the ISPD protein (p.Ile331Thr).